The following is an entry in ClinVar:

ClinVar aggregate classification (germline): Uncertain significance (1 of 4 stars; one submission).

gnomAD v4.1: 2 of 1,614,192 alleles (0.00012%); highest among the groups gnomAD compares: Non-Finnish European, 0.00017%; no homozygotes.

Submission:

GeneDx
Classification: Uncertain significance. Last evaluated: 2024-02-25. Review status: criteria provided, single submitter. Criteria: GeneDx Variant Classification Process June 2021. Collection method: clinical testing. Allele origin: germline. Affected: yes.
Comment: Not observed at significant frequency in large population cohorts (gnomAD); In silico analysis supports that this missense variant has a deleterious effect on protein structure/function; Has not been previously published as pathogenic or benign to our knowledge

NM_018026.4(PACS1):c.2561G>A (p.Arg854His)

Gene: PACS1 (phosphofurin acidic cluster sorting protein 1; plus strand). Cytogenetic location: 11q13.2.
Variant type: single nucleotide variant.
Coding change: c.2561G>A on transcript NM_018026.4 (MANE Select); coding-DNA position 2561, G replaced by A.
Protein change: p.Arg854His; replaces arginine 854 with histidine.
Molecular consequence: missense variant.
Genome position (GRCh38, 1-based): chr11:66,241,558, G>A. VCF-style: chr11-66241558-G-A. GRCh37 (hg19) VCF-style: chr11-66009029-G-A.
Other names: short protein forms R854H.
Identifiers: ClinVar variation 3369789 (VCV003369789.1).